The following is an entry in ClinVar:

NM_001291303.3(FAT4):c.14312G>A (p.Arg4771His)

Gene: FAT4 (FAT atypical cadherin 4; plus strand). Cytogenetic location: 4q28.1.
Variant type: single nucleotide variant.
Coding change: c.14312G>A on transcript NM_001291303.3 (MANE Select); coding-DNA position 14312, G replaced by A.
Protein change: p.Arg4771His; replaces arginine 4771 with histidine.
Molecular consequence: missense variant.
Genome position (GRCh38, 1-based): chr4:125,491,128, G>A. VCF-style: chr4-125491128-G-A. GRCh37 (hg19) VCF-style: chr4-126412283-G-A.
Other names: c.14309G>A, p.Arg4770His (NM_001291285.3); c.14306G>A, p.Arg4769His (NM_024582.6); c.14306G>A (NM_024582.4, NM_024582.5); short protein forms R4769H, R4770H, R4771H.
Identifiers: ClinVar variation 2417984 (VCV002417984.4), dbSNP rs201633380, ClinGen allele CA3074536.
Genomic context (GRCh38, chr4:125,491,128, plus strand): 5'-TGGGAAGGAGAAGCAAGAGTCCTCAGGCCATGGCATCACATGGTTCTAGACCAGGGAGTC[G>A]CCTAAAGCAGCCGATTGGGCAGATTCCACTGGAATCTTCTCCTCCAGTCGGACTTTCTAT-3'
Protein context (NP_001278232.1, residues 4761-4781): MASHGSRPGS[Arg4771His]LKQPIGQIPL

ClinVar aggregate classification (germline): Uncertain significance. Review status: criteria provided, multiple submitters, no conflicts (2 of 4 stars). 3 submissions from 3 submitters: Uncertain significance (3). Last evaluated 2024-09-30.

Conditions:
Inborn genetic diseases. Identifiers: MedGen C0950123, MeSH D030342.
Van Maldergem syndrome 2 (VMLDS2). Identifiers: Orphanet 314679, MedGen C3809875, MONDO:0014242, OMIM 615546.
Hennekam lymphangiectasia-lymphedema syndrome 2 (HKLLS2). Identifiers: Orphanet 2136, MedGen C4014939, MONDO:0014454, OMIM 616006.

Allele frequency attached by ClinVar (database versions not stated): ExAC 0.00004; TOPMed 0.00010; gnomAD 0.00021; 1000 Genomes Project 0.00040; 1000 Genomes Project 30x 0.00047.
gnomAD v4.1: 50 of 1,614,110 alleles (0.0031%); highest among the groups gnomAD compares: Admixed American, 0.062%; no homozygotes.

Submissions (3):

Ambry Genetics
Classification: Uncertain significance for Inborn genetic diseases. Last evaluated: 2024-09-30. Review status: criteria provided, single submitter. Criteria: Ambry Variant Classification Scheme 2023. Collection method: clinical testing. Allele origin: germline.

Fulgent Genetics
Classification: Uncertain significance for Van Maldergem syndrome 2; Hennekam lymphangiectasia-lymphedema syndrome 2. Last evaluated: 2024-01-02. Review status: criteria provided, single submitter. Criteria: ACMG Guidelines, 2015. Collection method: clinical testing. Allele origin: germline.

Labcorp Genetics (formerly Invitae), Labcorp
Classification: Uncertain significance. Last evaluated: 2022-04-01. Review status: criteria provided, single submitter. Criteria: Invitae Variant Classification Sherloc (09022015). Collection method: clinical testing. Allele origin: germline.
Comment: This sequence change replaces arginine, which is basic and polar, with histidine, which is basic and polar, at codon 4769 of the FAT4 protein (p.Arg4769His). This variant is present in population databases (rs201633380, gnomAD 0.02%). This variant has not been reported in the literature in individuals affected with FAT4-related conditions. Advanced modeling of protein sequence and biophysical properties (such as structural, functional, and spatial information, amino acid conservation, physicochemical variation, residue mobility, and thermodynamic stability) performed at Invitae indicates that this missense variant is not expected to disrupt FAT4 protein function. In summary, the available evidence is currently insufficient to determine the role of this variant in disease. Therefore, it has been classified as a Variant of Uncertain Significance.